The following is an entry in ClinVar:

ClinVar aggregate classification (germline): Benign (1 of 4 stars; one submission).

Allele frequency attached by ClinVar (database versions not stated): gnomAD 0.60956 and 0.61268; TOPMed 0.61691; 1000 Genomes Project 30x 0.68379; 1000 Genomes Project 0.68530.
gnomAD v4.1: 92,609 of 151,676 alleles (61%); highest among the groups gnomAD compares: East Asian, 79%; 29,171 homozygotes.

Submission:

GeneDx
Classification: Benign. Last evaluated: 2019-01-10. Review status: criteria provided, single submitter. Criteria: GeneDx Variant Classification Process June 2021. Collection method: clinical testing. Allele origin: germline. Affected: yes.
Comment: This variant is associated with the following publications: (PMID: 29955035)

NM_001098540.3(HPSE):c.374-735C>T

Gene: HPSE (heparanase; minus strand). Cytogenetic location: 4q21.23.
Variant type: single nucleotide variant.
Coding change: c.374-735C>T on transcript NM_001098540.3 (MANE Select); 735 bases into the intron before coding-DNA position 374, C replaced by T.
Molecular consequence: intron variant.
Genome position (GRCh38, 1-based): chr4:83,320,204, G>A on the plus strand (C>T on the coding strand, the complement: HPSE is on the minus strand). VCF-style: chr4-83320204-G-A. GRCh37 (hg19) VCF-style: chr4-84241357-G-A.
Other names: c.374-735C>T (NM_001166498.3, NM_006665.6, NM_001199830.1).
Identifiers: ClinVar variation 1235597 (VCV001235597.3), dbSNP rs4693608, ClinGen allele CA11693062.